The following is an entry in ClinVar:

NM_000282.4(PCCA):c.64C>T (p.Pro22Ser)

Gene: PCCA (propionyl-CoA carboxylase subunit alpha; plus strand). Cytogenetic location: 13q32.3.
Variant type: single nucleotide variant.
Coding change: c.64C>T on transcript NM_000282.4 (MANE Select); coding-DNA position 64, C replaced by T.
Protein change: p.Pro22Ser; replaces proline 22 with serine.
Molecular consequence: missense variant. On other transcripts: 5 prime UTR variant (3), non-coding transcript variant (5).
Genome position (GRCh38, 1-based): chr13:100,089,184, C>T. VCF-style: chr13-100089184-C-T. GRCh37 (hg19) VCF-style: chr13-100741438-C-T.
Other names: c.64C>T, p.Pro22Ser (NM_001127692.3, NM_001178004.2, NM_001352605.2 and 4 more transcripts); c.-803C>T (NM_001352610.2, NM_001352611.2, NM_001352612.2); short protein forms P22S.
Identifiers: ClinVar variation 2148103 (VCV002148103.1), dbSNP rs1406102005, ClinGen allele CA388692698.

ClinVar aggregate classification (germline): Uncertain significance (1 of 4 stars; one submission).

Conditions:
Propionic acidemia (PROP). Also called: GLYCINEMIA, KETOTIC; HYPERGLYCINEMIA WITH KETOACIDOSIS AND LEUKOPENIA; KETOTIC HYPERGLYCINEMIA. Identifiers: Orphanet 35, MedGen C0268579, MONDO:0011628, OMIM 606054, HP:0003571.

Allele frequency attached by ClinVar (database versions not stated): gnomAD exomes 0.00001.
gnomAD v4.1: 12 of 1,529,934 alleles (0.00078%); highest among the groups gnomAD compares: Non-Finnish European, 0.0011%; 1 homozygote.

Submission:

Labcorp Genetics (formerly Invitae), Labcorp
Classification: Uncertain significance for Propionic acidemia. Last evaluated: 2022-07-13. Review status: criteria provided, single submitter. Criteria: Invitae Variant Classification Sherloc (09022015). Collection method: clinical testing. Allele origin: germline.
Comment: This sequence change replaces proline, which is neutral and non-polar, with serine, which is neutral and polar, at codon 22 of the PCCA protein (p.Pro22Ser). The frequency data for this variant in the population databases is considered unreliable, as metrics indicate poor data quality at this position in the gnomAD database. This variant has not been reported in the literature in individuals affected with PCCA-related conditions. Advanced modeling of protein sequence and biophysical properties (such as structural, functional, and spatial information, amino acid conservation, physicochemical variation, residue mobility, and thermodynamic stability) performed at Invitae indicates that this missense variant is not expected to disrupt PCCA protein function. In summary, the available evidence is currently insufficient to determine the role of this variant in disease. Therefore, it has been classified as a Variant of Uncertain Significance.